The following is an entry in ClinVar:

ClinVar aggregate classification (germline): Uncertain significance. Review status: criteria provided, multiple submitters, no conflicts (2 of 4 stars). 4 submissions from 4 submitters: Uncertain significance (3). 1 of the submissions does not count toward it. Last evaluated 2026-03-23.

Conditions:
Cardiovascular phenotype. Identifiers: MedGen CN230736.
Duchenne muscular dystrophy (DMD). Also called: Duchenne Muscular Dystrophy (DMD); MUSCULAR DYSTROPHY, PSEUDOHYPERTROPHIC PROGRESSIVE, DUCHENNE TYPE. Identifiers: Orphanet 98896, MedGen C0013264, MONDO:0010679, OMIM 310200.
Cardiomyopathy (CMYO). Also called: Cardiomyopathies. Identifiers: Orphanet 167848, MedGen C0878544, MONDO:0004994, HP:0001638. Inheritance: Various modes of inheritance.
Dystrophin deficiency.
Becker muscular dystrophy (BMD). Also called: MUSCULAR DYSTROPHY, PSEUDOHYPERTROPHIC PROGRESSIVE, BECKER TYPE; Becker Muscular Dystrophy (BMD). Identifiers: Orphanet 98895, MedGen C0917713, MONDO:0010311, OMIM 300376.

Allele frequency attached by ClinVar (database versions not stated): gnomAD exomes below 0.00001.
gnomAD v4.1: 2 of 1,211,047 alleles (0.00017%); highest among the groups gnomAD compares: Non-Finnish European, 0.00022%; no homozygotes.

Submissions (4):

Ambry Genetics
Classification: Uncertain significance for Cardiovascular phenotype. Last evaluated: 2026-03-23. Review status: criteria provided, single submitter. Criteria: Ambry Variant Classification Scheme 2023. Collection method: clinical testing. Allele origin: germline.
Comment: The p.T1734A variant (also known as c.5200A>G), located in coding exon 37 of the DMD gene, results from an A to G substitution at nucleotide position 5200. The threonine at codon 1734 is replaced by alanine, an amino acid with similar properties. This amino acid position is conserved. In addition, this alteration is predicted to be tolerated by in silico analysis. Based on the available evidence, the clinical significance of this variant remains unclear.

Labcorp Genetics (formerly Invitae), Labcorp
Classification: Uncertain significance for Duchenne muscular dystrophy. Last evaluated: 2025-09-01. Review status: criteria provided, single submitter. Criteria: Invitae Variant Classification Sherloc (09022015). Collection method: clinical testing. Allele origin: germline.
Comment: This sequence change replaces threonine, which is neutral and polar, with alanine, which is neutral and non-polar, at codon 1734 of the DMD protein (p.Thr1734Ala). This variant is not present in population databases (gnomAD no frequency). This variant has not been reported in the literature in individuals affected with DMD-related conditions. ClinVar contains an entry for this variant (Variation ID: 941941). Invitae Evidence Modeling of protein sequence and biophysical properties (such as structural, functional, and spatial information, amino acid conservation, physicochemical variation, residue mobility, and thermodynamic stability) indicates that this missense variant is not expected to disrupt DMD protein function with a negative predictive value of 95%. In summary, the available evidence is currently insufficient to determine the role of this variant in disease. Therefore, it has been classified as a Variant of Uncertain Significance.

Women's Health and Genetics/Laboratory Corporation of America, LabCorp
Classification: Uncertain significance. Last evaluated: 2020-11-23. Review status: criteria provided, single submitter. Criteria: LabCorp Variant Classification Summary - May 2015. Collection method: clinical testing. Allele origin: germline.
Comment: Variant summary: DMD c.5200A>G (p.Thr1734Ala) results in a non-conservative amino acid change in the encoded protein sequence. Four of five in-silico tools predict a benign effect of the variant on protein function. The variant was absent in 182998 control chromosomes. The available data on variant occurrences in the general population are insufficient to allow any conclusion about variant significance. To our knowledge, no occurrence of c.5200A>G in individuals affected with Dystrophinopathies and no experimental evidence demonstrating its impact on protein function have been reported. One clinical diagnostic laboratory has submitted clinical-significance assessments for this variant to ClinVar after 2014 without evidence for independent evaluation and classified the variant as uncertain significance. Based on the evidence outlined above, the variant was classified as uncertain significance.

Natera, Inc.
Classification: Uncertain significance for Becker muscular dystrophy; Cardiomyopathy; Duchenne muscular dystrophy; Dystrophin deficiency. Last evaluated: 2018-10-30. Review status: no assertion criteria provided. Collection method: clinical testing. Allele origin: germline. Not counted in ClinVar's aggregate classification.

NM_004006.3(DMD):c.5200A>G (p.Thr1734Ala)

Gene: DMD (dystrophin; minus strand). Cytogenetic location: Xp21.1.
Variant type: single nucleotide variant.
Coding change: c.5200A>G on transcript NM_004006.3 (MANE Select); coding-DNA position 5200, A replaced by G.
Protein change: p.Thr1734Ala; replaces threonine 1734 with alanine.
Molecular consequence: missense variant.
Genome position (GRCh38, 1-based): chrX:32,362,913, T>C on the plus strand (A>G on the coding strand, the complement: DMD is on the minus strand). VCF-style: chrX-32362913-T-C. GRCh37 (hg19) VCF-style: chrX-32381030-T-C.
Other names: c.5176A>G, p.Thr1726Ala (NM_000109.4); c.5188A>G, p.Thr1730Ala (NM_004009.3); c.4831A>G, p.Thr1611Ala (NM_004010.3); c.1177A>G, p.Thr393Ala (NM_004011.4); c.1168A>G, p.Thr390Ala (NM_004012.4); short protein forms T1730A, T390A, T393A, T1611A, T1726A, T1734A.
Identifiers: ClinVar variation 941941 (VCV000941941.11), dbSNP rs2097842153, ClinGen allele CA412671299.